The following is an entry in ClinVar:

NM_001286577.2(C2CD3):c.1414G>A (p.Val472Ile)

Gene: C2CD3 (C2 domain containing 3 centriole elongation regulator; minus strand). Cytogenetic location: 11q13.4.
Variant type: single nucleotide variant.
Coding change: c.1414G>A on transcript NM_001286577.2 (MANE Select); coding-DNA position 1414, G replaced by A.
Protein change: p.Val472Ile; replaces valine 472 with isoleucine.
Molecular consequence: missense variant.
Genome position (GRCh38, 1-based): chr11:74,118,334, C>T on the plus strand (G>A on the coding strand, the complement: C2CD3 is on the minus strand). VCF-style: chr11-74118334-C-T. GRCh37 (hg19) VCF-style: chr11-73829379-C-T.
Other names: c.1414G>A, p.Val472Ile (NM_015531.6); short protein forms V472I.
Identifiers: ClinVar variation 745549 (VCV000745549.12), dbSNP rs150938512, ClinGen allele CA6182948.
Genomic context (GRCh38, chr11:74,118,334, plus strand): 5'-ACTCCAGAACCTTAGATGATCTGGCAAGAGCTGTTGACTGGCTTATTTTTTTAGAAGGGA[C>T]GATATCATCCTCTTCACTGAGGAAATCACTGATGCTGGTATCAGATTTCTATGGAGAGGA-3'
Protein context (NP_001273506.1, residues 462-482): SDFLSEEDDI[Val472Ile]PSKKISQSTA

ClinVar aggregate classification (germline): Likely benign. Review status: criteria provided, single submitter (1 of 4 stars). 2 submissions from 2 submitters: Likely benign (1). 1 of the submissions does not count toward it. Last evaluated 2025-12-03.

Conditions:
C2CD3-related disorder. Also called: C2CD3-related condition.

Allele frequency attached by ClinVar (database versions not stated): gnomAD exomes 0.00017 and 0.00040; ExAC 0.00046; 1000 Genomes Project 30x 0.00094; gnomAD 0.00107 and 0.00112; 1000 Genomes Project 0.00120; TOPMed 0.00129; ESP Exome Variant Server 0.00146.
gnomAD v4.1: 410 of 1,612,386 alleles (0.025%); highest among the groups gnomAD compares: African/African-American, 0.36%; no homozygotes.

Submissions (2):

Labcorp Genetics (formerly Invitae), Labcorp
Classification: Likely benign. Last evaluated: 2025-12-03. Review status: criteria provided, single submitter. Criteria: Invitae Variant Classification Sherloc (09022015). Collection method: clinical testing. Allele origin: germline.

PreventionGenetics, part of Exact Sciences
Classification: Likely benign for C2CD3-related condition. Last evaluated: 2022-02-11. Review status: no assertion criteria provided. Collection method: clinical testing. Allele origin: germline. Not counted in ClinVar's aggregate classification.
Comment: This variant is classified as likely benign based on ACMG/AMP sequence variant interpretation guidelines (Richards et al. 2015 PMID: 25741868, with internal and published modifications).